The following is an entry in ClinVar:

ClinVar aggregate classification (germline): Uncertain significance. Review status: criteria provided, multiple submitters, no conflicts (2 of 4 stars). 2 submissions from 2 submitters: Uncertain significance (2). Last evaluated 2024-10-17.

Conditions:
Alagille syndrome due to a NOTCH2 point mutation. Also called: Alagille syndrome 2. Identifiers: Orphanet 261629, Orphanet 52, MedGen C1857761, MONDO:0012439, OMIM 610205.
Hajdu-Cheney syndrome (HJCYS). Also called: ACROOSTEOLYSIS WITH OSTEOPOROSIS AND CHANGES IN SKULL AND MANDIBLE; Acroosteolysis dominant type; SERPENTINE FIBULA-POLYCYSTIC KIDNEY SYNDROME. Identifiers: Orphanet 955, MedGen C0917715, MONDO:0007057, OMIM 102500.
NOTCH2-related disorder. Also called: NOTCH2-related condition.

gnomAD v4.1: 1 of 1,610,780 alleles (0.000062%); highest among the groups gnomAD compares: African/African-American, 0.0013%; no homozygotes.

Submissions (2):

PreventionGenetics, part of Exact Sciences
Classification: Uncertain significance for NOTCH2-related condition. Last evaluated: 2024-10-17. Review status: criteria provided, single submitter. Criteria: ACMG Guidelines, 2015. Collection method: clinical testing. Allele origin: germline.
Comment: The NOTCH2 c.2977G>A variant is predicted to result in the amino acid substitution p.Glu993Lys. To our knowledge, this variant has not been reported in the literature. This variant is reported in 0.023% of alleles in individuals of African descent in gnomAD. At this time, the clinical significance of this variant is uncertain due to the absence of conclusive functional and genetic evidence.

Fulgent Genetics
Classification: Uncertain significance for Hajdu-Cheney syndrome; Alagille syndrome due to a NOTCH2 point mutation. Last evaluated: 2024-03-31. Review status: criteria provided, single submitter. Criteria: ACMG Guidelines, 2015. Collection method: clinical testing. Allele origin: germline.

NM_024408.4(NOTCH2):c.2977G>A (p.Glu993Lys)

Gene: NOTCH2 (notch receptor 2; minus strand). Cytogenetic location: 1p12.
Variant type: single nucleotide variant.
Coding change: c.2977G>A on transcript NM_024408.4 (MANE Select); coding-DNA position 2977, G replaced by A.
Protein change: p.Glu993Lys; replaces glutamic acid 993 with lysine.
Molecular consequence: missense variant.
Genome position (GRCh38, 1-based): chr1:119,941,530, C>T on the plus strand (G>A on the coding strand, the complement: NOTCH2 is on the minus strand). VCF-style: chr1-119941530-C-T. GRCh37 (hg19) VCF-style: chr1-120484153-C-T.
Other names: c.2977G>A (NM_024408.3); c.2977G>A, p.Glu993Lys (NM_001200001.2); short protein forms E993K.
Identifiers: ClinVar variation 3587334 (VCV003587334.2).
Genomic context (GRCh38, chr1:119,941,530, plus strand): 5'-TTCCCTTTCTCCCTTTCTCTCGTAAGATGCTGATGCCCGAGGGACTGGTTGCTCACCTCT[C>T]AGTGCACTCATTGATGTTGTTCTCACAATGGACTCCATCAAATCCTGCCTGGCACTTGCA-3'
Protein context (NP_077719.2, residues 983-1003): HCENNINECT[Glu993Lys]SSCFNGGTCV